The following is an entry in ClinVar:

ClinVar aggregate classification (germline): Uncertain significance (1 of 4 stars; one submission).

Conditions:
2-aminoadipic 2-oxoadipic aciduria (AAKAD). Also called: ALPHA-AMINOADIPIC AND ALPHA-KETOADIPIC ACIDURIA; Aminoadipic aciduria. Identifiers: Orphanet 79154, MedGen C1859817, MONDO:0008774, OMIM 204750.

gnomAD v4.1: 10 of 1,613,592 alleles (0.00062%); highest among the groups gnomAD compares: Non-Finnish European, 0.00085%; no homozygotes.

Submission:

Labcorp Genetics (formerly Invitae), Labcorp
Classification: Uncertain significance for 2-aminoadipic 2-oxoadipic aciduria. Last evaluated: 2025-08-11. Review status: criteria provided, single submitter. Criteria: Invitae Variant Classification Sherloc (09022015). Collection method: clinical testing. Allele origin: germline.
Comment: This sequence change replaces arginine, which is basic and polar, with proline, which is neutral and non-polar, at codon 712 of the DHTKD1 protein (p.Arg712Pro). This variant is not present in population databases (gnomAD no frequency). This variant has not been reported in the literature in individuals affected with DHTKD1-related conditions. Invitae Evidence Modeling of protein sequence and biophysical properties (such as structural, functional, and spatial information, amino acid conservation, physicochemical variation, residue mobility, and thermodynamic stability) indicates that this missense variant is expected to disrupt DHTKD1 protein function with a positive predictive value of 80%. In summary, the available evidence is currently insufficient to determine the role of this variant in disease. Therefore, it has been classified as a Variant of Uncertain Significance.

NM_018706.7(DHTKD1):c.2135G>C (p.Arg712Pro)

Gene: DHTKD1 (dehydrogenase E1 and transketolase domain containing 1; plus strand). Cytogenetic location: 10p14.
Variant type: single nucleotide variant.
Coding change: c.2135G>C on transcript NM_018706.7 (MANE Select); coding-DNA position 2135, G replaced by C.
Protein change: p.Arg712Pro; replaces arginine 712 with proline.
Molecular consequence: missense variant.
Genome position (GRCh38, 1-based): chr10:12,107,996, G>C. VCF-style: chr10-12107996-G-C. GRCh37 (hg19) VCF-style: chr10-12149995-G-C.
Other names: short protein forms R712P.
Identifiers: ClinVar variation 4768709 (VCV004768709.1).